The following is an entry in ClinVar:

NM_001374259.2(IL12RB2):c.2093C>T (p.Thr698Met)

Gene: IL12RB2 (interleukin 12 receptor subunit beta 2; plus strand). Cytogenetic location: 1p31.3.
Variant type: single nucleotide variant.
Coding change: c.2093C>T on transcript NM_001374259.2 (MANE Select); coding-DNA position 2093, C replaced by T.
Protein change: p.Thr698Met; replaces threonine 698 with methionine.
Molecular consequence: missense variant. On other transcripts: 3 prime UTR variant (2), synonymous variant (1), non-coding transcript variant (2).
Genome position (GRCh38, 1-based): chr1:67,395,593, C>T. VCF-style: chr1-67395593-C-T. GRCh37 (hg19) VCF-style: chr1-67861276-C-T.
Other names: c.*13C>T (NM_001258214.1, NM_001319233.1); c.1835C>T, p.Thr612Met (NM_001258215.1); c.1902C>T, p.His634= (NM_001258216.1); c.2093C>T, p.Thr698Met (NM_001559.3); c.2093C>T (NM_001559.2); short protein forms T612M, T698M.
Identifiers: ClinVar variation 1429644 (VCV001429644.8), dbSNP rs41313351, ClinGen allele CA900670.
Genomic context (GRCh38, chr1:67,395,593, plus strand): 5'-CTCCTTTCTCTCAGGAGAAGACACAGCTGCCCTTGGACAGGCTCCTGATAGACTGGCCCA[C>T]GCCTGAAGATCCTGAACCGCTGGTCATCAGTGAAGTCCTTCATCAAGTGACCCCAGTTTT-3'
Protein context (NP_001361188.1, residues 688-708): PLDRLLIDWP[Thr698Met]PEDPEPLVIS

ClinVar aggregate classification (germline): Conflicting classifications of pathogenicity. Review status: criteria provided, conflicting classifications (1 of 4 stars). 3 submissions from 3 submitters: Uncertain significance (1); Likely benign (2). Last evaluated 2026-01-03.

Allele frequency attached by ClinVar (database versions not stated): 1000 Genomes Project 30x 0.00031; ESP Exome Variant Server 0.00046; ExAC 0.00052; gnomAD exomes 0.00058; gnomAD 0.00064 and 0.00065; TOPMed 0.00074.
gnomAD v4.1: 1,332 of 1,614,254 alleles (0.083%); highest among the groups gnomAD compares: Non-Finnish European, 0.1%; 1 homozygote.

Submissions (3):

Labcorp Genetics (formerly Invitae), Labcorp
Classification: Uncertain significance. Last evaluated: 2026-01-03. Review status: criteria provided, single submitter. Criteria: Invitae Variant Classification Sherloc (09022015). Collection method: clinical testing. Allele origin: germline.
Comment: This sequence change replaces threonine, which is neutral and polar, with methionine, which is neutral and non-polar, at codon 698 of the IL12RB2 protein (p.Thr698Met). This variant is present in population databases (rs41313351, gnomAD 0.1%), and has an allele count higher than expected for a pathogenic variant. This variant has not been reported in the literature in individuals affected with IL12RB2-related conditions. ClinVar contains an entry for this variant (Variation ID: 1429644). An algorithm developed to predict the effect of missense changes on protein structure and function outputs the following: PolyPhen-2: "Benign". The methionine amino acid residue is found in multiple mammalian species, which suggests that this missense change does not adversely affect protein function. In summary, the available evidence is currently insufficient to determine the role of this variant in disease. Therefore, it has been classified as a Variant of Uncertain Significance.

Blueprint Genetics
Classification: Likely benign. Last evaluated: 2024-11-06. Review status: criteria provided, single submitter. Criteria: ACMG Guidelines, 2015. Collection method: clinical testing. Allele origin: germline.

Ambry Genetics
Classification: Likely benign. Last evaluated: 2022-06-03. Review status: criteria provided, single submitter. Criteria: Ambry Variant Classification Scheme 2023. Collection method: clinical testing. Allele origin: germline.